The following is an entry in ClinVar:

NM_006591.3(POLD3):c.932C>T (p.Thr311Ile)

Gene: POLD3 (DNA polymerase delta 3, accessory subunit; plus strand). Cytogenetic location: 11q13.4.
Variant type: single nucleotide variant.
Coding change: c.932C>T on transcript NM_006591.3 (MANE Select); coding-DNA position 932, C replaced by T.
Protein change: p.Thr311Ile; replaces threonine 311 with isoleucine.
Molecular consequence: missense variant. On other transcripts: non-coding transcript variant (2).
Genome position (GRCh38, 1-based): chr11:74,629,249, C>T. VCF-style: chr11-74629249-C-T. GRCh37 (hg19) VCF-style: chr11-74340294-C-T.
Other names: c.815C>T, p.Thr272Ile (NM_001363597.2); short protein forms T311I, T272I.
Identifiers: ClinVar variation 785371 (VCV000785371.5), dbSNP rs116368997, ClinGen allele CA6185302.

ClinVar aggregate classification (germline): Benign. Review status: criteria provided, multiple submitters, no conflicts (2 of 4 stars). 3 submissions from 3 submitters: Benign (3). Last evaluated 2025-08-20.

Conditions:
POLD3-related disorder. Also called: POLD3-related condition.

Allele frequency attached by ClinVar (database versions not stated): gnomAD 0.00569 and 0.00606; ESP Exome Variant Server 0.00593; TOPMed 0.00648; 1000 Genomes Project 30x 0.00828; 1000 Genomes Project 0.00879.
gnomAD v4.1: 1,578 of 1,605,998 alleles (0.098%); highest among the groups gnomAD compares: African/African-American, 1.9%; 10 homozygotes.

Submissions (3):

PreventionGenetics, part of Exact Sciences
Classification: Benign for POLD3-related condition. Last evaluated: 2025-08-20. Review status: criteria provided, single submitter. Criteria: ACMG Guidelines, 2015. Collection method: clinical testing. Allele origin: germline.
Comment: This variant is classified as benign based on ACMG/AMP sequence variant interpretation guidelines (Richards et al. 2015 PMID: 25741868, with internal and published modifications).

Labcorp Genetics (formerly Invitae), Labcorp
Classification: Benign. Last evaluated: 2018-05-16. Review status: criteria provided, single submitter. Criteria: Invitae Variant Classification Sherloc (09022015). Collection method: clinical testing. Allele origin: germline.

Breakthrough Genomics
Classification: Benign. Review status: criteria provided, single submitter. Criteria: ACMG Guidelines, 2015. Collection method: not provided. Allele origin: germline. Inheritance: Unknown mechanism. Affected: yes.